The following is an entry in ClinVar:

NM_005120.3(MED12):c.2982C>T (p.Ser994=)

Gene: MED12 (mediator complex subunit 12; plus strand). Cytogenetic location: Xq13.1.
Variant type: single nucleotide variant.
Coding change: c.2982C>T on transcript NM_005120.3 (MANE Select); coding-DNA position 2982, C replaced by T.
Protein change: p.Ser994=; no amino-acid change (serine 994 retained).
Molecular consequence: synonymous variant.
Genome position (GRCh38, 1-based): chrX:71,127,893, C>T. VCF-style: chrX-71127893-C-T. GRCh37 (hg19) VCF-style: chrX-70347743-C-T.
Identifiers: ClinVar variation 264382 (VCV000264382.8), dbSNP rs886039139, ClinGen allele CA10587983.

ClinVar aggregate classification (germline): Conflicting classifications of pathogenicity. Review status: criteria provided, conflicting classifications (1 of 4 stars). 2 submissions from 2 submitters: Uncertain significance (1); Likely benign (1). Last evaluated 2025-08-12.

Conditions:
Familial thoracic aortic aneurysm and aortic dissection (TAAD). Also called: Thoracic aortic aneurysms and dissections. Identifiers: Orphanet 91387, MedGen C4707243, MONDO:0019625.
FG syndrome (FGS). Identifiers: MedGen C0220769, MONDO:0002010.

Allele frequency attached by ClinVar (database versions not stated): gnomAD exomes 0.00001; gnomAD 0.00002; TOPMed 0.00002.
gnomAD v4.1: 11 of 1,203,084 alleles (0.00091%); highest among the groups gnomAD compares: Non-Finnish European, 0.0009%; no homozygotes.

Submissions (2):

Ambry Genetics
Classification: Likely benign for Familial thoracic aortic aneurysm and aortic dissection. Last evaluated: 2025-08-12. Review status: criteria provided, single submitter. Criteria: Ambry Variant Classification Scheme 2023. Collection method: clinical testing. Allele origin: germline.

Labcorp Genetics (formerly Invitae), Labcorp
Classification: Uncertain significance for FG syndrome. Last evaluated: 2025-08-06. Review status: criteria provided, single submitter. Criteria: Invitae Variant Classification Sherloc (09022015). Collection method: clinical testing. Allele origin: germline.
Comment: This sequence change affects codon 994 of the MED12 mRNA. It is a 'silent' change, meaning that it does not change the encoded amino acid sequence of the MED12 protein. It affects a nucleotide within the consensus splice site. This variant is present in population databases (no rsID available, gnomAD 0.003%), including at least one homozygous and/or hemizygous individual. This variant has not been reported in the literature in individuals affected with MED12-related conditions. ClinVar contains an entry for this variant (Variation ID: 264382). Algorithms developed to predict the effect of sequence changes on RNA splicing suggest that this variant is not likely to affect RNA splicing. In summary, the available evidence is currently insufficient to determine the role of this variant in disease. Therefore, it has been classified as a Variant of Uncertain Significance.